The following is an entry in ClinVar:

NM_138927.4(SON):c.5394C>T (p.Asp1798=)

Gene: SON (SON DNA and RNA binding protein; plus strand). Cytogenetic location: 21q22.11.
Variant type: single nucleotide variant.
Coding change: c.5394C>T on transcript NM_138927.4 (MANE Select); coding-DNA position 5394, C replaced by T.
Protein change: p.Asp1798=; no amino-acid change (aspartic acid 1798 retained).
Molecular consequence: synonymous variant. On other transcripts: non-coding transcript variant (1), intron variant (1).
Genome position (GRCh38, 1-based): chr21:33,554,625, C>T. VCF-style: chr21-33554625-C-T. GRCh37 (hg19) VCF-style: chr21-34926931-C-T.
Other names: c.5394C>T, p.Asp1798= (NM_001291411.2, NM_001412133.1, NM_032195.3 and 2 more transcripts); c.245-2531C>T (NM_001291412.3).
Identifiers: ClinVar variation 2991034 (VCV002991034.17), dbSNP rs1195299895, ClinGen allele CA512339067.

ClinVar aggregate classification (germline): Likely benign. Review status: criteria provided, multiple submitters, no conflicts (2 of 4 stars). 2 submissions from 2 submitters: Likely benign (2). Last evaluated 2024-09-01.

Allele frequency attached by ClinVar (database versions not stated): gnomAD 0.00001; gnomAD exomes 0.00003; TOPMed 0.00003.
gnomAD v4.1: 41 of 1,613,092 alleles (0.0025%); highest among the groups gnomAD compares: Non-Finnish European, 0.0034%; no homozygotes.

Submissions (2):

CeGaT Center for Human Genetics Tuebingen
Classification: Likely benign. Last evaluated: 2024-09-01. Review status: criteria provided, single submitter. Criteria: CeGaT Center For Human Genetics Tuebingen Variant Classification Criteria Version 2. Collection method: clinical testing. Allele origin: germline. Affected: yes. Observed: 1 variant allele.
Comment: SON: BP4, BP7

Labcorp Genetics (formerly Invitae), Labcorp
Classification: Likely benign. Last evaluated: 2023-10-29. Review status: criteria provided, single submitter. Criteria: Invitae Variant Classification Sherloc (09022015). Collection method: clinical testing. Allele origin: germline.